The following is an entry in ClinVar:

NM_022356.4(P3H1):c.1284C>T (p.Ile428=)

Gene: P3H1 (prolyl 3-hydroxylase 1; minus strand). Cytogenetic location: 1p34.2.
Variant type: single nucleotide variant.
Coding change: c.1284C>T on transcript NM_022356.4 (MANE Select); coding-DNA position 1284, C replaced by T.
Protein change: p.Ile428=; no amino-acid change (isoleucine 428 retained).
Molecular consequence: synonymous variant.
Genome position (GRCh38, 1-based): chr1:42,754,930, G>A on the plus strand (C>T on the coding strand, the complement: P3H1 is on the minus strand). VCF-style: chr1-42754930-G-A. GRCh37 (hg19) VCF-style: chr1-43220601-G-A.
Other names: p.Ile428=; c.1284C>T, p.Ile428= (NM_001146289.2, NM_001243246.2).
Identifiers: ClinVar variation 379769 (VCV000379769.29), dbSNP rs61746642, ClinGen allele CA801893.

ClinVar aggregate classification (germline): Conflicting classifications of pathogenicity. Review status: criteria provided, conflicting classifications (1 of 4 stars). 7 submissions from 6 submitters: Uncertain significance (1); Benign (6). Last evaluated 2026-01-29.

Conditions:
Osteogenesis imperfecta (OI). Identifiers: Orphanet 666, MedGen C0029434, MeSH D010013, MONDO:0019019.
Osteogenesis imperfecta type 8 (OI8). Identifiers: MedGen C1970458, MONDO:0012581, OMIM 610915.
Osteogenesis Imperfecta, Recessive.

Allele frequency attached by ClinVar (database versions not stated): gnomAD exomes 0.00159 and 0.00407; ExAC 0.00473; ESP Exome Variant Server 0.01492; gnomAD 0.01492 and 0.01592; TOPMed 0.01673; 1000 Genomes Project 0.01757; 1000 Genomes Project 30x 0.01858.
gnomAD v4.1: 4,690 of 1,614,110 alleles (0.29%); highest among the groups gnomAD compares: African/African-American, 5.2%; 115 homozygotes.

Submissions (7):

Labcorp Genetics (formerly Invitae), Labcorp
Classification: Benign for Osteogenesis imperfecta type 8. Last evaluated: 2026-01-29. Review status: criteria provided, single submitter. Criteria: Invitae Variant Classification Sherloc (09022015). Collection method: clinical testing. Allele origin: germline.

ARUP Laboratories, Molecular Genetics and Genomics, ARUP Laboratories
Classification: Benign for Osteogenesis imperfecta type 8. Last evaluated: 2024-12-27. Review status: criteria provided, single submitter. Criteria: ARUP Molecular Germline Variant Investigation Process 2024. Collection method: clinical testing. Allele origin: germline.

Mayo Clinic Laboratories, Mayo Clinic
Classification: Benign. Last evaluated: 2023-03-12. Review status: criteria provided, single submitter. Criteria: ACMG Guidelines, 2015. Collection method: clinical testing. Allele origin: germline. Observed: 4 variant alleles.

Genome Diagnostics Laboratory, The Hospital for Sick Children
Classification: Benign for Osteogenesis imperfecta. Last evaluated: 2021-09-13. Review status: criteria provided, single submitter. Criteria: ACMG Guidelines, 2015. Collection method: clinical testing. Allele origin: germline.

Illumina Laboratory Services, Illumina
Classification: Benign for Osteogenesis imperfecta type 8. Last evaluated: 2018-01-12. Review status: criteria provided, single submitter. Criteria: ICSL Variant Classification Criteria 13 December 2019. Collection method: clinical testing. Allele origin: germline.
Comment: This variant was observed in the ICSL laboratory as part of a predisposition screen in an ostensibly healthy population. It had not been previously curated by ICSL or reported in the Human Gene Mutation Database (HGMD: prior to June 1st, 2018), and was therefore a candidate for classification through an automated scoring system. Utilizing variant allele frequency, disease prevalence and penetrance estimates, and inheritance mode, an automated score was calculated to assess if this variant is too frequent to cause the disease. Based on the score and internal cut-off values, a variant classified as benign is not then subjected to further curation. The score for this variant resulted in a classification of benign for this disease.

Illumina Laboratory Services, Illumina
Classification: Uncertain significance for Osteogenesis Imperfecta, Recessive. Last evaluated: 2017-04-27. Review status: criteria provided, single submitter. Criteria: ICSL Variant Classification Criteria 13 December 2019. Collection method: clinical testing. Allele origin: germline.

GeneDx
Classification: Benign. Last evaluated: 2016-10-10. Review status: criteria provided, single submitter. Criteria: GeneDx Variant Classification (06012015). Collection method: clinical testing. Allele origin: germline. Affected: yes.
Comment: This variant is considered likely benign or benign based on one or more of the following criteria: it is a conservative change, it occurs at a poorly conserved position in the protein, it is predicted to be benign by multiple in silico algorithms, and/or has population frequency not consistent with disease.